The following is an entry in ClinVar:

ClinVar aggregate classification (germline): Uncertain significance (1 of 4 stars; one submission).

Allele frequency attached by ClinVar (database versions not stated): gnomAD exomes below 0.00001.
gnomAD v4.1: 2 of 1,613,476 alleles (0.00012%); highest among the groups gnomAD compares: Non-Finnish European, 0.00017%; no homozygotes.

Submission:

Labcorp Genetics (formerly Invitae), Labcorp
Classification: Uncertain significance. Last evaluated: 2021-11-30. Review status: criteria provided, single submitter. Criteria: Invitae Variant Classification Sherloc (09022015). Collection method: clinical testing. Allele origin: germline.
Comment: This variant has not been reported in the literature in individuals affected with IMPG1-related conditions. This variant is present in population databases (no rsID available, gnomAD 0.0009%). This sequence change replaces serine, which is neutral and polar, with phenylalanine, which is neutral and non-polar, at codon 254 of the IMPG1 protein (p.Ser254Phe). ClinVar contains an entry for this variant (Variation ID: 962855). Algorithms developed to predict the effect of missense changes on protein structure and function are either unavailable or do not agree on the potential impact of this missense change (SIFT: "Deleterious"; PolyPhen-2: "Possibly Damaging"; Align-GVGD: "Class C15"). In summary, the available evidence is currently insufficient to determine the role of this variant in disease. Therefore, it has been classified as a Variant of Uncertain Significance.

NM_001563.4(IMPG1):c.761C>T (p.Ser254Phe)

Gene: IMPG1 (interphotoreceptor matrix proteoglycan 1; minus strand). Cytogenetic location: 6q14.1.
Variant type: single nucleotide variant.
Coding change: c.761C>T on transcript NM_001563.4 (MANE Select); coding-DNA position 761, C replaced by T.
Protein change: p.Ser254Phe; replaces serine 254 with phenylalanine.
Molecular consequence: missense variant.
Genome position (GRCh38, 1-based): chr6:76,018,764, G>A on the plus strand (C>T on the coding strand, the complement: IMPG1 is on the minus strand). VCF-style: chr6-76018764-G-A. GRCh37 (hg19) VCF-style: chr6-76728481-G-A.
Other names: c.527C>T, p.Ser176Phe (NM_001282368.2); short protein forms S176F, S254F.
Identifiers: ClinVar variation 962855 (VCV000962855.7), dbSNP rs1162662417, ClinGen allele CA364778767.